The following is an entry in ClinVar:

ClinVar aggregate classification (germline): Uncertain significance (1 of 4 stars; one submission).

Conditions:
Developmental and epileptic encephalopathy 94 (DEE94). Also called: CHD2-Related Neurodevelopmental Disorders; Epileptic encephalopathy, childhood-onset. Identifiers: Orphanet 1942, Orphanet 2382, MedGen C3809278, MONDO:0014150, OMIM 615369.

Allele frequency attached by ClinVar (database versions not stated): gnomAD 0.00001.
gnomAD v4.1: 1 of 1,613,880 alleles (0.000062%); highest among the groups gnomAD compares: Non-Finnish European, 0.000085%; no homozygotes.

Submission:

Labcorp Genetics (formerly Invitae), Labcorp
Classification: Uncertain significance for Developmental and epileptic encephalopathy 94. Last evaluated: 2023-12-19. Review status: criteria provided, single submitter. Criteria: Invitae Variant Classification Sherloc (09022015). Collection method: clinical testing. Allele origin: germline.
Comment: This sequence change replaces proline, which is neutral and non-polar, with arginine, which is basic and polar, at codon 648 of the CHD2 protein (p.Pro648Arg). This variant is not present in population databases (gnomAD no frequency). This variant has not been reported in the literature in individuals affected with CHD2-related conditions. Advanced modeling of protein sequence and biophysical properties (such as structural, functional, and spatial information, amino acid conservation, physicochemical variation, residue mobility, and thermodynamic stability) performed at Invitae indicates that this missense variant is expected to disrupt CHD2 protein function with a positive predictive value of 95%. In summary, the available evidence is currently insufficient to determine the role of this variant in disease. Therefore, it has been classified as a Variant of Uncertain Significance.

NM_001271.4(CHD2):c.1943C>G (p.Pro648Arg)

Gene: CHD2 (chromodomain helicase DNA binding protein 2; plus strand). Cytogenetic location: 15q26.1.
Variant type: single nucleotide variant.
Coding change: c.1943C>G on transcript NM_001271.4 (MANE Select); coding-DNA position 1943, C replaced by G.
Protein change: p.Pro648Arg; replaces proline 648 with arginine.
Molecular consequence: missense variant.
Genome position (GRCh38, 1-based): chr15:92,956,592, C>G. VCF-style: chr15-92956592-C-G. GRCh37 (hg19) VCF-style: chr15-93499822-C-G.
Other names: short protein forms P648R.
Identifiers: ClinVar variation 2702490 (VCV002702490.3), dbSNP rs2053619631, ClinGen allele CA393906511.